The following is an entry in ClinVar:

ClinVar aggregate classification (germline): Uncertain significance (1 of 4 stars; one submission).

Conditions:
Ataxia-telangiectasia syndrome (AT). Also called: ATAXIA-TELANGIECTASIA, COMPLEMENTATION GROUP A; ATAXIA-TELANGIECTASIA, FRESNO VARIANT; Ataxia-telangiectasia; Ataxia-telangiectasia, complementation group E; LOUIS-BAR SYNDROME; Cerebello-oculocutaneous telangiectasia. Identifiers: Orphanet 100, MedGen C0004135, MONDO:0008840, OMIM 208900.

Submission:

Labcorp Genetics (formerly Invitae), Labcorp
Classification: Uncertain significance for Ataxia-telangiectasia syndrome. Last evaluated: 2023-05-07. Review status: criteria provided, single submitter. Criteria: Invitae Variant Classification Sherloc (09022015). Collection method: clinical testing. Allele origin: germline.
Comment: This variant has not been reported in the literature in individuals affected with ATM-related conditions. In summary, the available evidence is currently insufficient to determine the role of this variant in disease. Therefore, it has been classified as a Variant of Uncertain Significance. An algorithm developed to predict the effect of missense changes on protein structure and function (PolyPhen-2) suggests that this variant is likely to be disruptive. This variant is not present in population databases (gnomAD no frequency). This sequence change replaces cysteine, which is neutral and slightly polar, with phenylalanine, which is neutral and non-polar, at codon 2337 of the ATM protein (p.Cys2337Phe).

NM_000051.4(ATM):c.7010G>T (p.Cys2337Phe)

Genes: ATM (ATM serine/threonine kinase; plus strand), C11orf65 (chromosome 11 open reading frame 65; minus strand). Cytogenetic location: 11q22.3.
Variant type: single nucleotide variant.
Coding change: c.7010G>T on transcript NM_000051.4 (MANE Select); coding-DNA position 7010, G replaced by T.
Protein change: p.Cys2337Phe; replaces cysteine 2337 with phenylalanine.
Molecular consequence: missense variant. On other transcripts: intron variant (2).
Genome position (GRCh38, 1-based): chr11:108,327,679, G>T. VCF-style: chr11-108327679-G-T. GRCh37 (hg19) VCF-style: chr11-108198406-G-T.
Other names: c.7010G>T, p.Cys2337Phe (NM_001351834.2); c.641-18608C>A (NM_001330368.2); c.*38+7541C>A (NM_001351110.2); short protein forms C2337F.
Identifiers: ClinVar variation 2862482 (VCV002862482.3), dbSNP rs876658563, ClinGen allele CA382558711.